The following is an entry in ClinVar:

ClinVar aggregate classification (germline): Uncertain significance (1 of 4 stars; one submission).

Allele frequency attached by ClinVar (database versions not stated): gnomAD exomes below 0.00001.
gnomAD v4.1: 3 of 1,584,168 alleles (0.00019%); highest among the groups gnomAD compares: Middle Eastern, 0.033%; no homozygotes.

Submission:

Labcorp Genetics (formerly Invitae), Labcorp
Classification: Uncertain significance. Last evaluated: 2022-10-05. Review status: criteria provided, single submitter. Criteria: Invitae Variant Classification Sherloc (09022015). Collection method: clinical testing. Allele origin: germline.
Comment: In summary, the available evidence is currently insufficient to determine the role of this variant in disease. Therefore, it has been classified as a Variant of Uncertain Significance. Algorithms developed to predict the effect of missense changes on protein structure and function (SIFT, PolyPhen-2, Align-GVGD) all suggest that this variant is likely to be tolerated. ClinVar contains an entry for this variant (Variation ID: 999522). This variant has not been reported in the literature in individuals affected with TUBGCP6-related conditions. This variant is not present in population databases (gnomAD no frequency). This sequence change replaces glutamic acid, which is acidic and polar, with aspartic acid, which is acidic and polar, at codon 530 of the TUBGCP6 protein (p.Glu530Asp).

NM_020461.4(TUBGCP6):c.1590G>T (p.Glu530Asp)

Gene: TUBGCP6 (tubulin gamma complex component 6; minus strand). Cytogenetic location: 22q13.33.
Variant type: single nucleotide variant.
Coding change: c.1590G>T on transcript NM_020461.4 (MANE Select); coding-DNA position 1590, G replaced by T.
Protein change: p.Glu530Asp; replaces glutamic acid 530 with aspartic acid.
Molecular consequence: missense variant.
Genome position (GRCh38, 1-based): chr22:50,226,744, C>A on the plus strand (G>T on the coding strand, the complement: TUBGCP6 is on the minus strand). VCF-style: chr22-50226744-C-A. GRCh37 (hg19) VCF-style: chr22-50665173-C-A.
Other names: short protein forms E530D.
Identifiers: ClinVar variation 999522 (VCV000999522.10), dbSNP rs2064617016, ClinGen allele CA412106735.
Genomic context (GRCh38, chr22:50,226,744, plus strand): 5'-TGCCTGGTGGGAGTGCGCGCCCGCCGCGCCTGCCCAGCCCACTGCCCACCGGGTGTAGGG[C>A]TCGCAGCTGGTCTTCAGCAGGGACAGCAGTACAGGGTAGTGCTCGTTGCTGCAGTTGTGC-3'
Protein context (NP_065194.3, residues 520-540): VLLSLLKTSC[Glu530Asp]PYTRFIHDWV